The following is an entry in ClinVar:

ClinVar aggregate classification (germline): Benign/Likely benign. Review status: criteria provided, multiple submitters, no conflicts (2 of 4 stars). 3 submissions from 3 submitters: Benign (1); Likely benign (2). Last evaluated 2024-08-06.

Conditions:
Hereditary cancer-predisposing syndrome. Also called: Neoplastic Syndromes, Hereditary; Tumor predisposition; Hereditary neoplastic syndrome; Hereditary Cancer Syndrome. Identifiers: Orphanet 140162, MedGen C0027672, MeSH D009386, MONDO:0015356.
Juvenile polyposis syndrome (JPS). Identifiers: Orphanet 2929, MedGen C0345893, MONDO:0017380, OMIM 174900.

Submissions (3):

Myriad Genetics, Inc.
Classification: Benign for Juvenile polyposis syndrome. Last evaluated: 2024-08-06. Review status: criteria provided, single submitter. Criteria: Myriad Autosomal Dominant, Autosomal Recessive and X-Linked Classification Criteria (2023). Collection method: clinical testing. Allele origin: unknown.
Comment: This variant is considered benign. This variant is a silent/synonymous amino acid change and it is not expected to impact splicing.

Labcorp Genetics (formerly Invitae), Labcorp
Classification: Likely benign for Juvenile polyposis syndrome. Last evaluated: 2022-12-05. Review status: criteria provided, single submitter. Criteria: Invitae Variant Classification Sherloc (09022015). Collection method: clinical testing. Allele origin: germline.

Ambry Genetics
Classification: Likely benign for Hereditary cancer-predisposing syndrome. Last evaluated: 2020-12-01. Review status: criteria provided, single submitter. Criteria: Ambry Variant Classification Scheme 2023. Collection method: clinical testing. Allele origin: germline.

NM_004329.3(BMPR1A):c.1107C>G (p.Leu369=)

Gene: BMPR1A (bone morphogenetic protein receptor type 1A; plus strand). Cytogenetic location: 10q23.2.
Variant type: single nucleotide variant.
Coding change: c.1107C>G on transcript NM_004329.3 (MANE Select); coding-DNA position 1107, C replaced by G.
Protein change: p.Leu369=; no amino-acid change (leucine 369 retained).
Molecular consequence: synonymous variant. On other transcripts: non-coding transcript variant (3).
Genome position (GRCh38, 1-based): chr10:86,919,410, C>G. VCF-style: chr10-86919410-C-G. GRCh37 (hg19) VCF-style: chr10-88679167-C-G.
Other names: c.1182C>G, p.Leu394= (NM_001406559.1); c.1155C>G, p.Leu385= (NM_001406560.1); c.1107C>G, p.Leu369= (NM_001406561.1, NM_001406562.1, NM_001406563.1 and 19 more transcripts); c.1101C>G, p.Leu367= (NM_001406583.1); c.1023C>G, p.Leu341= (NM_001406584.1, NM_001406585.1, NM_001406586.1 and 2 more transcripts); c.765C>G, p.Leu255= (NM_001406589.1).
Identifiers: ClinVar variation 1793895 (VCV001793895.6), dbSNP rs761569881, ClinGen allele CA470373360.